The following is an entry in ClinVar:

NM_001136035.4(TRMT1):c.1630C>A (p.Arg544=)

Gene: TRMT1 (tRNA methyltransferase 1; minus strand). Cytogenetic location: 19p13.13.
Variant type: single nucleotide variant.
Coding change: c.1630C>A on transcript NM_001136035.4 (MANE Select); coding-DNA position 1630, C replaced by A.
Protein change: p.Arg544=; no amino-acid change (arginine 544 retained).
Molecular consequence: synonymous variant.
Genome position (GRCh38, 1-based): chr19:13,105,560, G>T on the plus strand (C>A on the coding strand, the complement: TRMT1 is on the minus strand). VCF-style: chr19-13105560-G-T. GRCh37 (hg19) VCF-style: chr19-13216374-G-T.
Other names: c.1543C>A, p.Arg515= (NM_001142554.3, NM_001351760.2); c.1522C>A, p.Arg508= (NM_001351761.2); c.847C>A, p.Arg283= (NM_001351762.2); c.1630C>A, p.Arg544= (NM_017722.5).
Identifiers: ClinVar variation 3042761 (VCV003042761.2), dbSNP rs763302328, ClinGen allele CA9237565.

ClinVar aggregate classification (germline): Likely benign (0 of 4 stars; one submission).

Conditions:
TRMT1-related disorder. Also called: TRMT1-related condition.

Allele frequency attached by ClinVar (database versions not stated): gnomAD 0.00001.
gnomAD v4.1: 26 of 1,613,864 alleles (0.0016%); highest among the groups gnomAD compares: Middle Eastern, 0.033%; no homozygotes.

Submission:

PreventionGenetics, part of Exact Sciences
Classification: Likely benign for TRMT1-related condition. Last evaluated: 2019-06-27. Review status: no assertion criteria provided. Collection method: clinical testing. Allele origin: germline.
Comment: This variant is classified as likely benign based on ACMG/AMP sequence variant interpretation guidelines (Richards et al. 2015 PMID: 25741868, with internal and published modifications).